The following is an entry in ClinVar:

NM_000039.3(APOA1):c.409G>A (p.Glu137Lys)

Genes: APOA1 (apolipoprotein A1; minus strand), APOA1-AS (APOA1 antisense RNA; plus strand). Cytogenetic location: 11q23.3.
Variant type: single nucleotide variant.
Coding change: c.409G>A on transcript NM_000039.3 (MANE Select); coding-DNA position 409, G replaced by A.
Protein change: p.Glu137Lys; replaces glutamic acid 137 with lysine.
Molecular consequence: missense variant. On other transcripts: non-coding transcript variant (1).
Genome position (GRCh38, 1-based): chr11:116,836,203, C>T on the plus strand (G>A on the coding strand, the complement: APOA1 is on the minus strand). VCF-style: chr11-116836203-C-T. GRCh37 (hg19) VCF-style: chr11-116706919-C-T.
Other names: c.409G>A, p.Glu137Lys (NM_001318017.2, NM_001318018.2); c.82G>A, p.Glu28Lys (NM_001318021.2); short protein forms E28K, E137K.
Identifiers: ClinVar variation 3306890 (VCV003306890.1).
Genomic context (GRCh38, chr11:116,836,203, plus strand): 5'-TCTGGCGCGCGCCCTCTTGGAGCTCTGCGCGCAGCGGCTCCACCTTCTGGCGGTAGAGCT[C>T]CATCTCCTCCTGCCACTTCTTCTGGAAGTCGTCCAGGTAGGGCTGCACCTTGGCCTTCAC-3'
Protein context (NP_000030.1, residues 127-147): DFQKKWQEEM[Glu137Lys]LYRQKVEPLR

ClinVar aggregate classification (germline): Uncertain significance (1 of 4 stars; one submission).

Conditions:
Cardiovascular phenotype. Identifiers: MedGen CN230736.

gnomAD v4.1: 1 of 1,613,872 alleles (0.000062%); highest among the groups gnomAD compares: Non-Finnish European, 0.000085%; no homozygotes.

Submission:

Ambry Genetics
Classification: Uncertain significance for Cardiovascular phenotype. Last evaluated: 2024-05-17. Review status: criteria provided, single submitter. Criteria: Ambry Variant Classification Scheme 2023. Collection method: clinical testing. Allele origin: germline.
Comment: The p.E137K variant (also known as c.409G>A), located in coding exon 3 of the APOA1 gene, results from a G to A substitution at nucleotide position 409. The glutamic acid at codon 137 is replaced by lysine, an amino acid with similar properties. This amino acid position is conserved. In addition, this alteration is predicted to be tolerated by in silico analysis. Based on the available evidence, the clinical significance of this variant remains unclear.